The following is an entry in ClinVar:

ClinVar aggregate classification (germline): Uncertain significance. Review status: criteria provided, multiple submitters, no conflicts (2 of 4 stars). 2 submissions from 2 submitters: Uncertain significance (2). Last evaluated 2024-09-22.

Conditions:
Hereditary spastic paraplegia 62. Also called: Spastic paraplegia 62, autosomal recessive. Identifiers: Orphanet 401785, MedGen C4284588, MONDO:0014302, OMIM 615681.

Submissions (2):

Genomic Medicine Center of Excellence, King Faisal Specialist Hospital and Research Centre
Classification: Uncertain significance for Hereditary spastic paraplegia 62. Last evaluated: 2024-09-22. Review status: criteria provided, single submitter. Criteria: ACMG Guidelines, 2015. Collection method: clinical testing. Allele origin: germline.

GeneDx
Classification: Uncertain significance. Last evaluated: 2019-05-22. Review status: criteria provided, single submitter. Criteria: GeneDx Variant Classification Process June 2021. Collection method: clinical testing. Allele origin: germline. Affected: yes.
Comment: Not observed in large population cohorts (Lek et al., 2016); In silico analysis, which includes splice predictors and evolutionary conservation, supports a deleterious effect; Has not been previously published as pathogenic or benign to our knowledge; Variants in candidate genes are classified as variants of uncertain significance in accordance with ACMG guidelines (Richards et al., 2015); This variant is associated with the following publications: (PMID: 32552793)

NM_006459.4(ERLIN1):c.430+3_430+6del

Gene: ERLIN1 (ER lipid raft associated 1; minus strand). Cytogenetic location: 10q24.31.
Variant type: Deletion.
Coding change: c.430+3_430+6del on transcript NM_006459.4 (MANE Select); bases 3 to 6 of the intron after coding-DNA position 430, 4 bases deleted (AAGT; older notation c.430+3_430+6delAAGT).
Molecular consequence: splice donor variant.
Genome position (GRCh38, 1-based): chr10:100,175,939-100,175,942, ACTT deleted on the plus strand (AAGT on the coding strand, the reverse complement: ERLIN1 is on the minus strand); deleting any 4 consecutive bases within chr10:100,175,939-100,175,944 gives the same sequence; the c. name uses the placement nearest the transcript's 3' end. VCF-style (leftmost placement, unchanged base first): chr10-100175938-CACTT-C. GRCh37 (hg19) VCF-style: chr10-101935695-CACTT-C.
Other names: c.430+3_430+6del (NM_001347857.2, NM_001100626.2, NM_001347860.2 and 2 more transcripts); c.178+3_178+6del (NM_001347856.2); c.-51+3_-51+6del (NM_001347858.2).
Identifiers: ClinVar variation 1305963 (VCV001305963.3), dbSNP rs2134163259, ClinGen allele CA645560745.
Genomic context (GRCh38, chr10:100,175,938, plus strand): 5'-CTCAATAAGTAAGCTGAACAAAGATTTCCAATTGGCTATTTACATACATAAGAATTAAGA[CACTT>C]ACCAAACAATTCAATGTAAACTTCCTGAAGTGTGTGGGCACTGCAGAACTGGTTCAGCTC-3'